The following is an entry in ClinVar:

NM_001099274.3(TINF2):c.1238_1239del (p.Tyr413fs)

Gene: TINF2 (TERF1 interacting nuclear factor 2; minus strand). Cytogenetic location: 14q12.
Variant type: Deletion.
Coding change: c.1238_1239del on transcript NM_001099274.3 (MANE Select); coding-DNA positions 1238 to 1239, 2 bases deleted (AT; older notation c.1238_1239delAT).
Protein change: p.Tyr413fs; shifts the reading frame from tyrosine 413.
Molecular consequence: frameshift variant. On other transcripts: 3 prime UTR variant (1).
Genome position (GRCh38, 1-based): chr14:24,239,914-24,239,915, AT deleted on the plus strand (AT on the coding strand, the reverse complement: TINF2 is on the minus strand); deleting any 2 consecutive bases within chr14:24,239,914-24,239,916 gives the same sequence; the c. name uses the placement nearest the transcript's 3' end. VCF-style (leftmost placement, unchanged base first): chr14-24239913-GAT-G. GRCh37 (hg19) VCF-style: chr14-24709119-GAT-G.
Other names: c.1133_1134del, p.Tyr378fs (NM_001363668.2); c.*500_*501del (NM_012461.3); short protein forms Y413fs, Y378fs.
Identifiers: ClinVar variation 3632117 (VCV003632117.2).
Genomic context (GRCh38, chr14:24,239,913, plus strand): 5'-GGCCAGAAGGGGGTAGGTATTCACAGAGAGTGGGTATCAAGGTGTCAAACTTTGTCTTCT[GAT>G]AGTTTTCCAGAGATTCCTGTAGAGAAGGGAGCAGGGAGAGCCTACTATCCGAAACCATTC-3'

ClinVar aggregate classification (germline): Uncertain significance (1 of 4 stars; one submission).

Conditions:
Dyskeratosis congenita. Identifiers: Orphanet 1775, MedGen C0265965, MONDO:0015780.

Submission:

Labcorp Genetics (formerly Invitae), Labcorp
Classification: Uncertain significance for Dyskeratosis congenita. Last evaluated: 2024-02-17. Review status: criteria provided, single submitter. Criteria: Invitae Variant Classification Sherloc (09022015). Collection method: clinical testing. Allele origin: germline.
Comment: This sequence change creates a premature translational stop signal (p.Tyr413Serfs*6) in the TINF2 gene. While this is not anticipated to result in nonsense mediated decay, it is expected to disrupt the last 39 amino acid(s) of the TINF2 protein. This variant is not present in population databases (gnomAD no frequency). This variant has not been reported in the literature in individuals affected with TINF2-related conditions. Experimental studies and prediction algorithms are not available or were not evaluated, and the functional significance of this variant is currently unknown. In summary, the available evidence is currently insufficient to determine the role of this variant in disease. Therefore, it has been classified as a Variant of Uncertain Significance.